The following is an entry in ClinVar:

ClinVar aggregate classification (germline): Conflicting classifications of pathogenicity. Review status: criteria provided, conflicting classifications (1 of 4 stars). 3 submissions from 3 submitters: Uncertain significance (1); Likely benign (2). Last evaluated 2025-01-29.

Conditions:
Autosomal recessive limb-girdle muscular dystrophy type 2J (LGMDR10). Also called: Limb-girdle muscular dystrophy, type 2J; MUSCULAR DYSTROPHY, LIMB-GIRDLE, AUTOSOMAL RECESSIVE 10. Identifiers: Orphanet 140922, MedGen C1837342, MONDO:0012127, OMIM 608807.
Dilated cardiomyopathy 1G (CMD1G). Identifiers: Orphanet 154, MedGen C1858763, MONDO:0011400, OMIM 604145.

Allele frequency attached by ClinVar (database versions not stated): gnomAD 0.00001; gnomAD exomes 0.00001 and 0.00002; TOPMed 0.00001.
gnomAD v4.1: 10 of 1,591,806 alleles (0.00063%); highest among the groups gnomAD compares: Admixed American, 0.0068%; no homozygotes.

Submissions (3):

Labcorp Genetics (formerly Invitae), Labcorp
Classification: Likely benign for Dilated cardiomyopathy 1G; Autosomal recessive limb-girdle muscular dystrophy type 2J. Last evaluated: 2025-01-29. Review status: criteria provided, single submitter. Criteria: Invitae Variant Classification Sherloc (09022015). Collection method: clinical testing. Allele origin: germline.

Eurofins Ntd Llc (ga)
Classification: Uncertain significance. Last evaluated: 2018-03-01. Review status: criteria provided, single submitter. Criteria: EGL ClinVar v180209 classification definitions. Collection method: clinical testing. Allele origin: germline. Observed: 1 variant allele, 1 heterozygote.

GeneDx
Classification: Likely benign. Last evaluated: 2018-02-22. Review status: criteria provided, single submitter. Criteria: GeneDx Variant Classification (06012015). Collection method: clinical testing. Allele origin: germline. Affected: yes.
Comment: This variant is considered likely benign or benign based on one or more of the following criteria: it is a conservative change, it occurs at a poorly conserved position in the protein, it is predicted to be benign by multiple in silico algorithms, and/or has population frequency not consistent with disease.

NC_000002.12:g.178728782T>C

Gene: TTN (titin; minus strand). Cytogenetic location: 2q31.2.
Variant type: single nucleotide variant.
Molecular consequence: intron variant (on NM_001267550.2).
Genome position: GRCh38 VCF-style: chr2-178728782-T-C. GRCh37 (hg19) VCF-style: chr2-179593509-T-C.
Other names: c.18197-4A>G (NM_001256850.1); c.19148-4A>G (NM_001267550.2); c.13282+9300A>G (NM_003319.4); c.13858+9300A>G (NM_133437.4); c.13657+9300A>G (NM_133432.3); c.15416-4A>G (NM_133378.4).
Identifiers: ClinVar variation 466864 (VCV000466864.15), dbSNP rs1025136671, ClinGen allele CA60977327.